The following is an entry in ClinVar:

ClinVar aggregate classification (germline): Uncertain significance (1 of 4 stars; one submission).

gnomAD v4.1: 21 of 1,612,228 alleles (0.0013%); highest among the groups gnomAD compares: East Asian, 0.0045%; no homozygotes.

Submission:

Labcorp Genetics (formerly Invitae), Labcorp
Classification: Uncertain significance. Last evaluated: 2024-10-25. Review status: criteria provided, single submitter. Criteria: Invitae Variant Classification Sherloc (09022015). Collection method: clinical testing. Allele origin: germline.
Comment: This sequence change replaces proline, which is neutral and non-polar, with alanine, which is neutral and non-polar, at codon 706 of the COL18A1 protein (p.Pro706Ala). This variant is present in population databases (no rsID available, gnomAD 0.005%). This variant has not been reported in the literature in individuals affected with COL18A1-related conditions. ClinVar contains an entry for this variant (Variation ID: 1498666). Experimental studies and prediction algorithms are not available or were not evaluated, and the functional significance of this variant is currently unknown. In summary, the available evidence is currently insufficient to determine the role of this variant in disease. Therefore, it has been classified as a Variant of Uncertain Significance.

NM_001379500.1(COL18A1):c.2116C>G (p.Pro706Ala)

Gene: COL18A1 (collagen type XVIII alpha 1 chain; plus strand). Cytogenetic location: 21q22.3.
Variant type: single nucleotide variant.
Coding change: c.2116C>G on transcript NM_001379500.1 (MANE Select); coding-DNA position 2116, C replaced by G.
Protein change: p.Pro706Ala; replaces proline 706 with alanine.
Molecular consequence: missense variant.
Genome position (GRCh38, 1-based): chr21:45,491,273, C>G. VCF-style: chr21-45491273-C-G. GRCh37 (hg19) VCF-style: chr21-46911187-C-G.
Other names: c.2656C>G, p.Pro886Ala (NM_030582.4); c.3361C>G, p.Pro1121Ala (NM_130444.3); short protein forms P886A, P1121A, P706A.
Identifiers: ClinVar variation 1498666 (VCV001498666.5), dbSNP rs546271526, ClinGen allele CA321919102.